The following is an entry in ClinVar:

ClinVar aggregate classification (germline): Conflicting classifications of pathogenicity. Review status: criteria provided, conflicting classifications (1 of 4 stars). 3 submissions from 3 submitters: Uncertain significance (1); Benign (1); Likely benign (1). Last evaluated 2026-09-11.

Conditions:
ITPR3-related disorder. Also called: ITPR3-related condition.

Allele frequency attached by ClinVar (database versions not stated): 1000 Genomes Project 0.00040; 1000 Genomes Project 30x 0.00047; TOPMed 0.00066; ExAC 0.00067; gnomAD 0.00068; ESP Exome Variant Server 0.00100; gnomAD exomes 0.00106.

Submissions (3):

PreventionGenetics, part of Exact Sciences
Classification: Likely benign for ITPR3-related condition. Last evaluated: 2026-09-11. Review status: criteria provided, single submitter. Criteria: ACMG Guidelines, 2015. Collection method: clinical testing. Allele origin: germline.
Comment: This variant is classified as likely benign based on ACMG/AMP sequence variant interpretation guidelines (Richards et al. 2015 PMID: 25741868, with internal and published modifications).

CeGaT Center for Human Genetics Tuebingen
Classification: Benign. Last evaluated: 2025-10-01. Review status: criteria provided, single submitter. Criteria: CeGaT Center For Human Genetics Tuebingen Variant Classification Criteria Version 2. Collection method: clinical testing. Allele origin: germline. Affected: yes. Observed: 1 variant allele.
Comment: ITPR3: BP4, BS1, BS2

Ambry Genetics
Classification: Uncertain significance. Last evaluated: 2023-11-13. Review status: criteria provided, single submitter. Criteria: Ambry Variant Classification Scheme 2023. Collection method: clinical testing. Allele origin: germline.

NM_002224.4(ITPR3):c.5569C>T (p.Arg1857Cys)

Gene: ITPR3 (inositol 1,4,5-trisphosphate receptor type 3; plus strand). Cytogenetic location: 6p21.31.
Variant type: single nucleotide variant.
Coding change: c.5569C>T on transcript NM_002224.4 (MANE Select); coding-DNA position 5569, C replaced by T.
Protein change: p.Arg1857Cys; replaces arginine 1857 with cysteine.
Molecular consequence: missense variant.
Genome position (GRCh38, 1-based): chr6:33,685,729, C>T. VCF-style: chr6-33685729-C-T. GRCh37 (hg19) VCF-style: chr6-33653506-C-T.
Other names: short protein forms R1857C.
Identifiers: ClinVar variation 2296839 (VCV002296839.9), dbSNP rs139957730, ClinGen allele CA3761617.
Genomic context (GRCh38, chr6:33,685,729, plus strand): 5'-GGCTCCTCATCCCGCTACTCGCTGGGCCCCAGCCTGCGCCGGGGGCACGAGGTGAGCGAA[C>T]GTGTGCAGAGCAGTGAGATGGGCACATCCGTGCTCATCATGCAGCCCATCCTGCGCTTTC-3'
Protein context (NP_002215.2, residues 1847-1867): SLRRGHEVSE[Arg1857Cys]VQSSEMGTSV